The following is an entry in ClinVar:

ClinVar aggregate classification (germline): Pathogenic (1 of 4 stars; one submission).

Conditions:
Neurofibromatosis, type 1 (NF1). Also called: VON RECKLINGHAUSEN DISEASE; Peripheral type neurofibromatosis; NEUROFIBROMATOSIS, TYPE I, SOMATIC; Neurofibromatosis, type I. Identifiers: Orphanet 636, MedGen C0027831, MONDO:0018975, OMIM 162200. Disease mechanism: loss of function.

Submission:

Labcorp Genetics (formerly Invitae), Labcorp
Classification: Pathogenic for Neurofibromatosis, type 1. Last evaluated: 2025-02-10. Review status: criteria provided, single submitter. Criteria: Invitae Variant Classification Sherloc (09022015). Collection method: clinical testing. Allele origin: germline.
Comment: This sequence change creates a premature translational stop signal (p.Ala1798Profs*52) in the NF1 gene. It is expected to result in an absent or disrupted protein product. Loss-of-function variants in NF1 are known to be pathogenic (PMID: 10712197, 23913538). This variant is not present in population databases (gnomAD no frequency). This variant has not been reported in the literature in individuals affected with NF1-related conditions. For these reasons, this variant has been classified as Pathogenic.

Literature cited by the submitters: PubMed 10712197; PubMed 23913538.

NM_001042492.3(NF1):c.5432_5454dup (p.Ala1819fs)

Gene: NF1 (neurofibromin 1; plus strand). Cytogenetic location: 17q11.2.
Variant type: Duplication.
Coding change: c.5432_5454dup on transcript NM_001042492.3 (MANE Select); coding-DNA positions 5432 to 5454, 23 bases duplicated (CCTTCATGCACCAGGAGTGTGAA).
Protein change: p.Ala1819fs; shifts the reading frame from alanine 1819.
Molecular consequence: frameshift variant.
Genome position (GRCh38, 1-based): chr17:31,327,662-31,327,684, CCTTCATGCACCAGGAGTGTGAA duplicated; duplicating any 23 consecutive bases within chr17:31,327,661-31,327,684 gives the same sequence; the c. name uses the placement nearest the transcript's 3' end. VCF-style (leftmost placement, unchanged base first): chr17-31327660-C-CACCTTCATGCACCAGGAGTGTGA. GRCh37 (hg19) VCF-style: chr17-29654678-C-CACCTTCATGCACCAGGAGTGTGA.
Other names: c.5369_5391dup, p.Ala1798fs (NM_000267.4); short protein forms A1819fs, A1798fs.
Identifiers: ClinVar variation 4712783 (VCV004712783.1).